The following is an entry in ClinVar:

ClinVar aggregate classification (germline): Uncertain significance (1 of 4 stars; one submission).

Submission:

Labcorp Genetics (formerly Invitae), Labcorp
Classification: Uncertain significance. Last evaluated: 2024-05-09. Review status: criteria provided, single submitter. Criteria: Invitae Variant Classification Sherloc (09022015). Collection method: clinical testing. Allele origin: germline.
Comment: This sequence change replaces alanine, which is neutral and non-polar, with glycine, which is neutral and non-polar, at codon 774 of the DDX58 protein (p.Ala774Gly). This variant is not present in population databases (gnomAD no frequency). This variant has not been reported in the literature in individuals affected with DDX58-related conditions. Advanced modeling of protein sequence and biophysical properties (such as structural, functional, and spatial information, amino acid conservation, physicochemical variation, residue mobility, and thermodynamic stability) performed at Invitae indicates that this missense variant is not expected to disrupt DDX58 protein function with a negative predictive value of 80%. In summary, the available evidence is currently insufficient to determine the role of this variant in disease. Therefore, it has been classified as a Variant of Uncertain Significance.

NM_014314.4(RIGI):c.2321C>G (p.Ala774Gly)

Gene: RIGI (RNA sensor RIG-I; minus strand). Cytogenetic location: 9p21.1.
Variant type: single nucleotide variant.
Coding change: c.2321C>G on transcript NM_014314.4 (MANE Select); coding-DNA position 2321, C replaced by G.
Protein change: p.Ala774Gly; replaces alanine 774 with glycine.
Molecular consequence: missense variant.
Genome position (GRCh38, 1-based): chr9:32,466,306, G>C on the plus strand (C>G on the coding strand, the complement: RIGI is on the minus strand). VCF-style: chr9-32466306-G-C. GRCh37 (hg19) VCF-style: chr9-32466304-G-C.
Other names: c.1880C>G, p.Ala627Gly (NM_001385910.1); c.1712C>G, p.Ala571Gly (NM_001385912.1); c.2315C>G, p.Ala772Gly (NM_001385907.1); c.2150C>G, p.Ala717Gly (NM_001385909.1); c.2306C>G, p.Ala769Gly (NM_001385913.1); c.1877C>G, p.Ala626Gly (NM_001385914.1); short protein forms A774G, A626G, A717G, A769G, A571G, A627G, A772G.
Identifiers: ClinVar variation 3652787 (VCV003652787.2).
Genomic context (GRCh38, chr9:32,466,306, plus strand): 5'-ATAGTTATTTATGGTCAGATGCTGGAAGAATAACGTAGACTTACCTTTTCCCTAAATACT[G>C]CTTCGTCCCATGTCTGAAGGCGTAAAATAGAGTCATTCATCATTTTTTCTTTGTACATGT-3'
Protein context (NP_055129.2, residues 764-784): SILRLQTWDE[Ala774Gly]VFREKILHIQ